The following is an entry in ClinVar:

ClinVar aggregate classification (germline): Uncertain significance (1 of 4 stars; one submission).

Submission:

GeneDx
Classification: Uncertain significance. Last evaluated: 2024-02-06. Review status: criteria provided, single submitter. Criteria: GeneDx Variant Classification Process June 2021. Collection method: clinical testing. Allele origin: germline.
Comment: Not observed at significant frequency in large population cohorts (gnomAD); Has not been previously published as pathogenic or benign to our knowledge; Frameshift variant predicted to result in protein truncation or nonsense mediated decay in a gene for which loss-of-function is not a known mechanism of disease

NM_001376.5(DYNC1H1):c.4212_4218del (p.Ser1405fs)

Gene: DYNC1H1 (dynein cytoplasmic 1 heavy chain 1; plus strand). Cytogenetic location: 14q32.31.
Variant type: Deletion.
Coding change: c.4212_4218del on transcript NM_001376.5 (MANE Select); coding-DNA positions 4212 to 4218, 7 bases deleted (ATCCGAA; older notation c.4212_4218delATCCGAA).
Protein change: p.Ser1405fs; shifts the reading frame from serine 1405.
Molecular consequence: frameshift variant.
Genome position (GRCh38, 1-based): chr14:102,001,171-102,001,177, ATCCGAA deleted; deleting any 7 consecutive bases within chr14:102,001,168-102,001,177 gives the same sequence; the c. name uses the placement nearest the transcript's 3' end. VCF-style (leftmost placement, unchanged base first): chr14-102001167-TGAAATCC-T. GRCh37 (hg19) VCF-style: chr14-102467504-TGAAATCC-T.
Other names: c.4212_4218delATCCGAA, p.Ser1405Hisfs (NM_001376.4); short protein forms S1405fs.
Identifiers: ClinVar variation 1803585 (VCV001803585.2), dbSNP rs2503730058, ClinGen allele CA2580088389.